The following is an entry in ClinVar:

ClinVar aggregate classification (germline): Likely pathogenic. Review status: criteria provided, multiple submitters, no conflicts (2 of 4 stars). 3 submissions from 3 submitters: Likely pathogenic (3). Last evaluated 2023-06-22.

Conditions:
Hypotrichosis 14. Identifiers: MedGen C4748930, MONDO:0032649, OMIM 618275.
Alopecia-intellectual disability syndrome 4. Also called: ALOPECIA-MENTAL RETARDATION SYNDROME 4. Identifiers: MedGen C5394241, MONDO:0030009, OMIM 618840.

Allele frequency attached by ClinVar (database versions not stated): gnomAD exomes below 0.00001; gnomAD 0.00001.
gnomAD v4.1: 5 of 1,612,448 alleles (0.00031%); highest among the groups gnomAD compares: Non-Finnish European, 0.00034%; no homozygotes.

Submissions (3):

GeneDx
Classification: Likely pathogenic. Last evaluated: 2023-06-22. Review status: criteria provided, single submitter. Criteria: GeneDx Variant Classification Process June 2021. Collection method: clinical testing. Allele origin: germline. Affected: yes.
Comment: Not observed at significant frequency in large population cohorts (gnomAD); In silico analysis supports that this missense variant has a deleterious effect on protein structure/function; This variant is associated with the following publications: (PMID: 30723320, 35803560)

Victorian Clinical Genetics Services, Murdoch Childrens Research Institute
Classification: Likely pathogenic for Alopecia-intellectual disability syndrome 4. Last evaluated: 2022-02-02. Review status: criteria provided, single submitter. Criteria: ACMG Guidelines, 2015. Collection method: clinical testing. Allele origin: germline. Inheritance: Autosomal recessive inheritance.
Comment: Based on the classification scheme VCGS_Germline_v1.3.4, this variant is classified as Likely pathogenic. Following criteria are met: 0102 - Loss of function is a known mechanism of disease in this gene and is associated with alopecia-intellectual disability syndrome 4 (MIM#618840) (aka neuroectodermal syndrome (PMID: 30723320)), hypotrichosis 14 (MIM#618275) and cataract 44 (MIM#616509). (I) 0106 - This gene is associated with autosomal recessive disease. (I) 0115 - Variants in this gene are known to have variable expressivity. Intra and inter-familial variability has been reported in neuroectodermal syndrome (PMID: 30723320). (I) 0200 - Variant is predicted to result in a missense amino acid change from tyrosine to cysteine. (I) 0251 - This variant is heterozygous. (I) 0304 - Variant is present in gnomAD (v3) <0.01 for a recessive condition (1 heterozygote, 0 homozygotes). (SP) 0309 - An alternative amino acid change at the same position has been observed in gnomAD (v2) (p.(Tyr286His): 2 heterozygotes, 0 homozygotes). (I) 0501 - Missense variant consistently predicted to be damaging by multiple in silico tools or highly conserved with a major amino acid change. (SP) 0600 - Variant is located in the N-terminal domain (PMID: 33155697). (I) 0705 - No comparable missense variants have previous evidence for pathogenicity. (I) 0803 - This variant has limited previous evidence of pathogenicity in unrelated individuals. This variant has been reported to be compound heterozygous with a LSS nonsense variant in two siblings with alopecia and intellectual disability (PMID: 30723320). (SP) 0906 - Segregation evidence for this variant is inconclusive. There is currently insufficient evidence from the family reported in Besnard et al (2019) to determine the segregation of this variant with disease (PMID: 30723320). (I) 1007 - No published functional evidence has been identified for this variant. (I) 1201 - Heterozygous variant detected in trans with a second pathogenic heterozygous variant (NM_002340.5(LSS):c.647G>A; p.(Trp216*)) in a recessive disease. (I) Legend: (SP) - Supporting pathogenic, (I) - Information, (SB) - Supporting benign

Bruce Lefroy Centre, Murdoch Childrens Research Institute
Classification: Likely pathogenic for Hypotrichosis 14. Review status: criteria provided, single submitter. Criteria: ACMG Guidelines, 2015. Collection method: research. Allele origin: maternal. Inheritance: Autosomal recessive inheritance. Affected: yes. Observed: 1 variant allele.

Literature cited by the submitters: PubMed 30723320 (cited by Victorian Clinical Genetics Services, Murdoch Childrens Research Institute); PubMed 33155697 (cited by Victorian Clinical Genetics Services, Murdoch Childrens Research Institute).

NM_002340.6(LSS):c.857A>G (p.Tyr286Cys)

Gene: LSS (lanosterol synthase; minus strand). Cytogenetic location: 21q22.3.
Variant type: single nucleotide variant.
Coding change: c.857A>G on transcript NM_002340.6 (MANE Select); coding-DNA position 857, A replaced by G.
Protein change: p.Tyr286Cys; replaces tyrosine 286 with cysteine.
Molecular consequence: missense variant.
Genome position (GRCh38, 1-based): chr21:46,215,720, T>C on the plus strand (A>G on the coding strand, the complement: LSS is on the minus strand). VCF-style: chr21-46215720-T-C. GRCh37 (hg19) VCF-style: chr21-47635634-T-C.
Other names: c.857A>G, p.Tyr286Cys (NM_001001438.3); c.824A>G, p.Tyr275Cys (NM_001145436.2); c.617A>G, p.Tyr206Cys (NM_001145437.2); c.857A>G (NM_002340.5); c.617A>G (NM_001145437.1); short protein forms Y206C, Y275C, Y286C.
Identifiers: ClinVar variation 1256056 (VCV001256056.5), dbSNP rs987857709, ClinGen allele CA410520130.